The following is an entry in ClinVar:

ClinVar aggregate classification (germline): Uncertain significance. Review status: criteria provided, multiple submitters, no conflicts (2 of 4 stars). 2 submissions from 2 submitters: Uncertain significance (2). Last evaluated 2025-01-17.

Conditions:
PCSK5-related disorder. Also called: PCSK5-related condition.

Allele frequency attached by ClinVar (database versions not stated): TOPMed 0.00002; ExAC 0.00003; gnomAD 0.00003; gnomAD exomes 0.00004; 1000 Genomes Project 30x 0.00031.
gnomAD v4.1: 83 of 1,614,156 alleles (0.0051%); highest among the groups gnomAD compares: South Asian, 0.037%; no homozygotes.

Submissions (2):

PreventionGenetics, part of Exact Sciences
Classification: Uncertain significance for PCSK5-related condition. Last evaluated: 2025-01-17. Review status: criteria provided, single submitter. Criteria: ACMG Guidelines, 2015. Collection method: clinical testing. Allele origin: germline.
Comment: The PCSK5 c.1498C>T variant is predicted to result in the amino acid substitution p.Arg500Cys. To our knowledge, this variant has not been reported in the literature. This variant is reported in 0.016% of alleles in individuals of South Asian descent in gnomAD. At this time, the clinical significance of this variant is uncertain due to the absence of conclusive functional and genetic evidence.

Ambry Genetics
Classification: Uncertain significance. Last evaluated: 2021-07-15. Review status: criteria provided, single submitter. Criteria: Ambry Variant Classification Scheme 2023. Collection method: clinical testing. Allele origin: germline.

NM_001372043.1(PCSK5):c.1498C>T (p.Arg500Cys)

Gene: PCSK5 (proprotein convertase subtilisin/kexin type 5; plus strand). Cytogenetic location: 9q21.13.
Variant type: single nucleotide variant.
Coding change: c.1498C>T on transcript NM_001372043.1 (MANE Select); coding-DNA position 1498, C replaced by T.
Protein change: p.Arg500Cys; replaces arginine 500 with cysteine.
Molecular consequence: missense variant. On other transcripts: non-coding transcript variant (1).
Genome position (GRCh38, 1-based): chr9:76,159,050, C>T. VCF-style: chr9-76159050-C-T. GRCh37 (hg19) VCF-style: chr9-78773966-C-T.
Other names: c.1498C>T, p.Arg500Cys (NM_001190482.2, NM_006200.6); short protein forms R500C.
Identifiers: ClinVar variation 2264385 (VCV002264385.3), dbSNP rs34579561, ClinGen allele CA5086725.